The following is an entry in ClinVar:

ClinVar aggregate classification (germline): Benign/Likely benign. Review status: criteria provided, multiple submitters, no conflicts (2 of 4 stars). 19 submissions from 14 submitters: Benign (15); Likely benign (1). 3 of the submissions do not count toward it. Last evaluated 2026-02-04.

Conditions:
Familial cold autoinflammatory syndrome 1 (FCAS1). Also called: Familial cold inflammatory syndrome 1; CRYOPYRIN-ASSOCIATED PERIODIC SYNDROME 1. Identifiers: Orphanet 47045, MedGen C4551895, MONDO:0007349, OMIM 120100.
Familial amyloid nephropathy with urticaria AND deafness (MWS). Also called: MUCKLE-WELLS SYNDROME; Urticaria, deafness and amyloidosis; CRYOPYRIN-ASSOCIATED PERIODIC SYNDROME 2; UDA SYNDROME; URTICARIA-DEAFNESS-AMYLOIDOSIS SYNDROME. Identifiers: Orphanet 575, MedGen C0268390, MONDO:0008633, OMIM 191900.
Keratitis fugax hereditaria. Also called: KERATOENDOTHELIITIS FUGAX HEREDITARIA. Identifiers: Orphanet 647815, MedGen C1835697, MONDO:0007849, OMIM 148200.
Cryopyrin associated periodic syndrome (CAPS). Identifiers: Orphanet 208650, MedGen C2316212, MONDO:0016168.
Chronic infantile neurological, cutaneous and articular syndrome (CINCA). Also called: CHRONIC NEUROLOGIC CUTANEOUS AND ARTICULAR SYNDROME; Prieur Griscelli syndrome; CRYOPYRIN-ASSOCIATED PERIODIC SYNDROME 3; CINCA syndrome. Identifiers: Orphanet 1451, MedGen C0409818, MONDO:0011776, OMIM 607115.

Allele frequency attached by ClinVar (database versions not stated): 1000 Genomes Project 30x 0.06433; 1000 Genomes Project 0.06569; TOPMed 0.08304; gnomAD 0.08679 and 0.08833; ESP Exome Variant Server 0.08896; gnomAD exomes 0.10092 and 0.11753; ExAC 0.10098.
gnomAD v4.1: 184,808 of 1,613,382 alleles (11%); highest among the groups gnomAD compares: Middle Eastern, 18%; 11,495 homozygotes.

Submissions (19):

Labcorp Genetics (formerly Invitae), Labcorp
Classification: Benign for Cryopyrin associated periodic syndrome. Last evaluated: 2026-02-04. Review status: criteria provided, single submitter. Criteria: Invitae Variant Classification Sherloc (09022015). Collection method: clinical testing. Allele origin: germline.

Women's Health and Genetics/Laboratory Corporation of America, LabCorp
Classification: Benign. Last evaluated: 2026-01-21. Review status: criteria provided, single submitter. Criteria: LabCorp Variant Classification Summary - May 2015. Collection method: clinical testing. Allele origin: germline.

ARUP Laboratories, Molecular Genetics and Genomics, ARUP Laboratories
Classification: Benign. Last evaluated: 2025-07-30. Review status: criteria provided, single submitter. Criteria: ARUP Molecular Germline Variant Investigation Process 2024. Collection method: clinical testing. Allele origin: germline.

Blueprint Genetics
Classification: Likely benign. Last evaluated: 2024-11-26. Review status: criteria provided, single submitter. Criteria: ACMG Guidelines, 2015. Collection method: clinical testing. Allele origin: germline.

Mayo Clinic Laboratories, Mayo Clinic
Classification: Benign. Last evaluated: 2022-03-09. Review status: criteria provided, single submitter. Criteria: ACMG Guidelines, 2015. Collection method: clinical testing. Allele origin: germline. Observed: 256 variant alleles.

Genome-Nilou Lab
Classification: Benign for Familial cold autoinflammatory syndrome 1. Last evaluated: 2021-09-05. Review status: criteria provided, single submitter. Criteria: ACMG Guidelines, 2015. Collection method: clinical testing. Allele origin: germline. Affected: no.

Genome-Nilou Lab
Classification: Benign for Chronic infantile neurological, cutaneous and articular syndrome. Last evaluated: 2021-09-05. Review status: criteria provided, single submitter. Criteria: ACMG Guidelines, 2015. Collection method: clinical testing. Allele origin: germline. Affected: no.

Genome-Nilou Lab
Classification: Benign for Keratitis fugax hereditaria. Last evaluated: 2021-09-05. Review status: criteria provided, single submitter. Criteria: ACMG Guidelines, 2015. Collection method: clinical testing. Allele origin: germline. Affected: no.

Genome-Nilou Lab
Classification: Benign for Familial amyloid nephropathy with urticaria AND deafness. Last evaluated: 2021-09-05. Review status: criteria provided, single submitter. Criteria: ACMG Guidelines, 2015. Collection method: clinical testing. Allele origin: germline. Affected: no.

Illumina Laboratory Services, Illumina
Classification: Benign for Familial amyloid nephropathy with urticaria AND deafness. Last evaluated: 2018-01-12. Review status: criteria provided, single submitter. Criteria: ICSL Variant Classification Criteria 13 December 2019. Collection method: clinical testing. Allele origin: germline.
Comment: This variant was observed in the ICSL laboratory as part of a predisposition screen in an ostensibly healthy population. It had not been previously curated by ICSL or reported in the Human Gene Mutation Database (HGMD: prior to June 1st, 2018), and was therefore a candidate for classification through an automated scoring system. Utilizing variant allele frequency, disease prevalence and penetrance estimates, and inheritance mode, an automated score was calculated to assess if this variant is too frequent to cause the disease. Based on the score and internal cut-off values, a variant classified as benign is not then subjected to further curation. The score for this variant resulted in a classification of benign for this disease.

Illumina Laboratory Services, Illumina
Classification: Benign for Chronic infantile neurological, cutaneous and articular syndrome. Last evaluated: 2018-01-12. Review status: criteria provided, single submitter. Criteria: ICSL Variant Classification Criteria 13 December 2019. Collection method: clinical testing. Allele origin: germline.
Comment: the same text as in the submission from Illumina Laboratory Services, Illumina above.

Illumina Laboratory Services, Illumina
Classification: Benign for Familial cold autoinflammatory syndrome 1. Last evaluated: 2018-01-12. Review status: criteria provided, single submitter. Criteria: ICSL Variant Classification Criteria 13 December 2019. Collection method: clinical testing. Allele origin: germline.
Comment: the same text as in the submission from Illumina Laboratory Services, Illumina above.

Laboratory for Molecular Medicine, Mass General Brigham Personalized Medicine
Classification: Benign. Last evaluated: 2017-11-22. Review status: criteria provided, single submitter. Criteria: LMM Criteria. Collection method: clinical testing. Allele origin: germline. Observed: 61 variant alleles.
Comment: p.Ser436Ser in exon 5 of NLRP3: This variant is not expected to have clinical si gnificance because it has been identified in 12.65% (16000/126506) of European c hromosomes by the Genome Aggregation Database (gnomAD; dbSNP rs34298354).

GeneDx
Classification: Benign. Last evaluated: 2015-03-03. Review status: criteria provided, single submitter. Criteria: GeneDx Variant Classification Process June 2021. Collection method: clinical testing. Allele origin: germline. Affected: yes.

Breakthrough Genomics
Classification: Benign. Review status: criteria provided, single submitter. Criteria: ACMG Guidelines, 2015. Collection method: not provided. Allele origin: germline. Inheritance: Autosomal dominant inheritance. Affected: yes.

PreventionGenetics, part of Exact Sciences
Classification: Benign. Review status: criteria provided, single submitter. Criteria: ACMG Guidelines, 2015. Collection method: clinical testing. Allele origin: germline.

Diagnostic Laboratory, Department of Genetics, University Medical Center Groningen
Classification: Benign. Review status: no assertion criteria provided. Collection method: clinical testing. Allele origin: germline. Affected: yes. Study: VKGL Data-share Consensus. Not counted in ClinVar's aggregate classification.

Genome Diagnostics Laboratory, University Medical Center Utrecht
Classification: Benign. Review status: no assertion criteria provided. Collection method: clinical testing. Allele origin: germline. Affected: yes. Study: VKGL Data-share Consensus. Not counted in ClinVar's aggregate classification.

Joint Genome Diagnostic Labs from Nijmegen and Maastricht, Radboudumc and MUMC+
Classification: Benign. Review status: no assertion criteria provided. Collection method: clinical testing. Allele origin: germline. Affected: yes. Study: VKGL Data-share Consensus. Not counted in ClinVar's aggregate classification.

NM_001243133.2(NLRP3):c.1302C>T (p.Ser434=)

Gene: NLRP3 (NLR family pyrin domain containing 3; plus strand). Cytogenetic location: 1q44.
Variant type: single nucleotide variant.
Coding change: c.1302C>T on transcript NM_001243133.2 (MANE Select); coding-DNA position 1302, C replaced by T.
Protein change: p.Ser434=; no amino-acid change (serine 434 retained).
Molecular consequence: synonymous variant.
Genome position (GRCh38, 1-based): chr1:247,424,751, C>T. VCF-style: chr1-247424751-C-T. GRCh37 (hg19) VCF-style: chr1-247588053-C-T.
Other names: p.Ser436=; c.1302C>T, p.Ser434= (NM_001079821.3, NM_001127461.3, NM_001127462.3 and 1 more transcripts); c.1308C>T, p.Ser436= (NM_004895.5).
Identifiers: ClinVar variation 259560 (VCV000259560.47), dbSNP rs34298354, ClinGen allele CA1495007.